The following is an entry in ClinVar:

ClinVar aggregate classification (germline): Likely pathogenic (1 of 4 stars; one submission).

Conditions:
Palmoplantar keratoderma, punctate type 1A (PPKP1A). Also called: PALMOPLANTAR KERATODERMA, PUNCTATE TYPE IA. Identifiers: Orphanet 79501, MedGen CN031225, MONDO:0007858, OMIM 148600.

Submission:

Juno Genomics, Hangzhou Juno Genomics, Inc
Classification: Likely pathogenic for Palmoplantar keratoderma, punctate type 1A. Review status: criteria provided, single submitter. Criteria: ACMG Guidelines, 2015. Collection method: clinical testing. Allele origin: germline.
Comment: Null variant in a gene where loss of function (LOF) is a known mechanism of disease.;Absent from controls (or at extremely low frequency if recessive) in Genome Aggregation Database.

NM_024666.5(AAGAB):c.552dup (p.Ser185Ter)

Gene: AAGAB (alpha and gamma adaptin binding protein; minus strand). Cytogenetic location: 15q23.
Variant type: Duplication.
Coding change: c.552dup on transcript NM_024666.5 (MANE Select); coding-DNA position 552, one base duplicated (T; older notation c.552dupT).
Protein change: p.Ser185Ter; replaces serine 185 with a stop codon.
Molecular consequence: nonsense.
Genome position (GRCh38, 1-based): chr15:67,209,528, A duplicated on the plus strand (T on the coding strand, the reverse complement: AAGAB is on the minus strand); the first of 3 consecutive A bases (chr15:67,209,528-67,209,530); duplicating any one gives the same sequence. VCF-style (leftmost placement, unchanged base first): chr15-67209527-T-TA. GRCh37 (hg19) VCF-style: chr15-67501865-T-TA.
Other names: c.225dup, p.Ser76Ter (NM_001271885.2, NM_001271886.2); short protein forms S185*, S76*.
Identifiers: ClinVar variation 5005450 (VCV005005450.2).